The following is an entry in ClinVar:

NM_001376571.1(MADD):c.494C>T (p.Ala165Val)

Gene: MADD (MAP kinase activating death domain; plus strand). Cytogenetic location: 11p11.2.
Variant type: single nucleotide variant.
Coding change: c.494C>T on transcript NM_001376571.1 (MANE Select); coding-DNA position 494, C replaced by T.
Protein change: p.Ala165Val; replaces alanine 165 with valine.
Molecular consequence: missense variant. On other transcripts: non-coding transcript variant (8), intron variant (1).
Genome position (GRCh38, 1-based): chr11:47,274,994, C>T. VCF-style: chr11-47274994-C-T. GRCh37 (hg19) VCF-style: chr11-47296545-C-T.
Other names: NC_000011.9:g.47296545C>T; c.494C>T, p.Ala165Val (NM_001135943.2, NM_001135944.2, NM_001376572.1 and 80 more transcripts); c.290C>T, p.Ala97Val (NM_001376620.1, NM_001376626.1, NM_001376627.1 and 9 more transcripts); c.-7-905C>T (NM_001376663.1); short protein forms A165V, A97V.
Identifiers: ClinVar variation 1700868 (VCV001700868.4), dbSNP rs138776960, ClinGen allele CA5973876.

ClinVar aggregate classification (germline): Uncertain significance. Review status: criteria provided, multiple submitters, no conflicts (2 of 4 stars). 2 submissions from 2 submitters: Uncertain significance (2). Last evaluated 2024-02-13.

Allele frequency attached by ClinVar (database versions not stated): ExAC 0.00020; ESP Exome Variant Server 0.00023; gnomAD exomes 0.00028.
gnomAD v4.1: 338 of 1,613,948 alleles (0.021%); highest among the groups gnomAD compares: East Asian, 0.049%; no homozygotes.

Submissions (3):

Greenwood Genetic Center Diagnostic Laboratories, Greenwood Genetic Center
Classification: Uncertain significance. Last evaluated: 2024-02-13. Review status: criteria provided, single submitter. Criteria: ACMG Guidelines, 2015. Collection method: clinical testing. Allele origin: germline. Affected: yes.
Comment: BP4

GeneDx
Classification: Uncertain significance. Last evaluated: 2022-02-11. Review status: criteria provided, single submitter. Criteria: GeneDx Variant Classification Process June 2021. Collection method: clinical testing. Allele origin: germline. Affected: yes.
Comment: In silico analysis supports that this missense variant does not alter protein structure/function; Has not been previously published as pathogenic or benign to our knowledge

Dr. Peter K. Rogan Lab, Western University
No classification provided (evidence only). Condition: Familial cancer of breast. Review status: no classification provided. Collection method: in vitro. Allele origin: not applicable. Functional consequence: retained intron. Not counted in ClinVar's aggregate classification.